The following is an entry in ClinVar:

NM_001365480.1(CCDC88A):c.4628A>G (p.Asn1543Ser)

Gene: CCDC88A (coiled-coil and HOOK domain protein 88A; minus strand). Cytogenetic location: 2p16.1.
Variant type: single nucleotide variant.
Coding change: c.4628A>G on transcript NM_001365480.1 (MANE Select); coding-DNA position 4628, A replaced by G.
Protein change: p.Asn1543Ser; replaces asparagine 1543 with serine.
Molecular consequence: missense variant.
Genome position (GRCh38, 1-based): chr2:55,301,916, T>C on the plus strand (A>G on the coding strand, the complement: CCDC88A is on the minus strand). VCF-style: chr2-55301916-T-C. GRCh37 (hg19) VCF-style: chr2-55529052-T-C.
Other names: c.4625A>G, p.Asn1542Ser (NM_001135597.2, NM_001254943.2); c.4544A>G, p.Asn1515Ser (NM_018084.5); short protein forms N1542S, N1543S, N1515S.
Identifiers: ClinVar variation 1471326 (VCV001471326.6), dbSNP rs778719455, ClinGen allele CA1665541.

ClinVar aggregate classification (germline): Uncertain significance (1 of 4 stars; one submission).

Allele frequency attached by ClinVar (database versions not stated): TOPMed below 0.00001; gnomAD 0.00001.
gnomAD v4.1: 9 of 1,613,906 alleles (0.00056%); highest among the groups gnomAD compares: South Asian, 0.0077%; no homozygotes.

Submission:

Labcorp Genetics (formerly Invitae), Labcorp
Classification: Uncertain significance. Last evaluated: 2021-12-06. Review status: criteria provided, single submitter. Criteria: Invitae Variant Classification Sherloc (09022015). Collection method: clinical testing. Allele origin: germline.
Comment: In summary, the available evidence is currently insufficient to determine the role of this variant in disease. Therefore, it has been classified as a Variant of Uncertain Significance. Algorithms developed to predict the effect of sequence changes on RNA splicing suggest that this variant may create or strengthen a splice site. Algorithms developed to predict the effect of missense changes on protein structure and function are either unavailable or do not agree on the potential impact of this missense change (SIFT: "Deleterious"; PolyPhen-2: "Benign"; Align-GVGD: "Class C0"). This variant has not been reported in the literature in individuals affected with CCDC88A-related conditions. This variant is present in population databases (rs778719455, gnomAD 0.01%). This sequence change replaces asparagine, which is neutral and polar, with serine, which is neutral and polar, at codon 1542 of the CCDC88A protein (p.Asn1542Ser).